The following is an entry in ClinVar:

ClinVar aggregate classification (germline): Likely pathogenic (1 of 4 stars; one submission).

Submission:

Labcorp Genetics (formerly Invitae), Labcorp
Classification: Likely pathogenic. Last evaluated: 2022-04-11. Review status: criteria provided, single submitter. Criteria: Invitae Variant Classification Sherloc (09022015). Collection method: clinical testing. Allele origin: germline.
Comment: In summary, the currently available evidence indicates that the variant is pathogenic, but additional data are needed to prove that conclusively. Therefore, this variant has been classified as Likely Pathogenic. Algorithms developed to predict the effect of sequence changes on RNA splicing suggest that this variant may disrupt the consensus splice site. This variant has not been reported in the literature in individuals affected with EPHB4-related conditions. This variant is not present in population databases (gnomAD no frequency). This variant results in the deletion of part of exon 9 (c.1691_1691+10del) of the EPHB4 gene. It is expected to disrupt RNA splicing. Variants that disrupt the donor or acceptor splice site typically lead to a loss of protein function (PMID: 16199547), and loss-of-function variants in EPHB4 are known to be pathogenic (PMID: 28687708).

Literature cited by the submitters: PubMed 16199547; PubMed 28687708.

NM_004444.5(EPHB4):c.1691_1691+10del

Gene: EPHB4 (EPH receptor B4; minus strand). Cytogenetic location: 7q22.1.
Variant type: Deletion.
Coding change: c.1691_1691+10del on transcript NM_004444.5 (MANE Select); coding-DNA position 1691 through 10 bases into the intron after coding-DNA position 1691, 11 bases deleted (GGTAAGGGCTC).
Molecular consequence: splice donor variant.
Genome position (GRCh38, 1-based): chr7:100,813,909-100,813,919, GAGCCCTTACC deleted on the plus strand (GGTAAGGGCTC on the coding strand, the reverse complement: EPHB4 is on the minus strand). VCF-style (leftmost placement, unchanged base first): chr7-100813908-AGAGCCCTTACC-A. GRCh37 (hg19) VCF-style: chr7-100411530-AGAGCCCTTACC-A.
Identifiers: ClinVar variation 2076514 (VCV002076514.4), dbSNP rs2485019781, ClinGen allele CA2580076005.